The following is an entry in ClinVar:

GRCh38/hg38 7q34(chr7:138795539-140364913)x3

Genes: ATP6V0A4 (ATPase H+ transporting V0 subunit a4; minus strand), CLEC2L (C-type lectin domain family 2 member L; plus strand), FMC1 (formation of mitochondrial complex V assembly factor 1 homolog; plus strand), FMC1-LUC7L2 (FMC1-LUC7L2 readthrough; plus strand), HIPK2 (homeodomain interacting protein kinase 2; minus strand) and 83 more. Cytogenetic location: 7q34.
Variant type: copy number gain.
Change: copy number 3 (three copies instead of two) of chr7:138,795,539-140,364,913 (1.57 Mb, GRCh38 coordinates, 1-based), cytogenetic band 7q34.
Identifiers: ClinVar variation 59694 (VCV000059694.1).

ClinVar aggregate classification (germline): Uncertain significance (1 of 4 stars; one submission).

Submission:

ISCA site 14
Classification: Uncertain significance. Last evaluated: 2011-08-12. Review status: criteria provided, single submitter. Criteria: Kaminsky et al. (Genet Med. 2011). Collection method: clinical testing. Allele origin: maternal. Affected: yes. Observed: 1 variant allele.
Comment: Copy number variation identified through the course of routine clinical cytogenomic testing in postnatal populations. Clinical assertions have been curated as described in Kaminsky et al. 2011.